The following is an entry in ClinVar:

NM_022356.4(P3H1):c.466-43A>T

Gene: P3H1 (prolyl 3-hydroxylase 1; minus strand). Cytogenetic location: 1p34.2.
Variant type: single nucleotide variant.
Coding change: c.466-43A>T on transcript NM_022356.4 (MANE Select); 43 bases into the intron before coding-DNA position 466, A replaced by T.
Molecular consequence: intron variant.
Genome position (GRCh38, 1-based): chr1:42,762,518, T>A on the plus strand (A>T on the coding strand, the complement: P3H1 is on the minus strand). VCF-style: chr1-42762518-T-A. GRCh37 (hg19) VCF-style: chr1-43228189-T-A.
Other names: c.466-43A>T (NM_001146289.2, NM_001243246.2).
Identifiers: ClinVar variation 674899 (VCV000674899.2), dbSNP rs2816593, ClinGen allele CA802167.

ClinVar aggregate classification (germline): Benign. Review status: criteria provided, multiple submitters, no conflicts (2 of 4 stars). 2 submissions from 2 submitters: Benign (2). Last evaluated 2018-06-19.

Allele frequency attached by ClinVar (database versions not stated): gnomAD exomes 0.98422 and 0.98656; ExAC 0.98574; gnomAD 0.98803 and 0.98820; ESP Exome Variant Server 0.98854; TOPMed 0.99079; 1000 Genomes Project 0.99361; 1000 Genomes Project 30x 0.99375.
gnomAD v4.1: 1,586,137 of 1,610,844 alleles (98%); highest among the groups gnomAD compares: East Asian, 100%; 780,964 homozygotes.

Submissions (2):

GeneDx
Classification: Benign. Last evaluated: 2018-06-19. Review status: criteria provided, single submitter. Criteria: GeneDx Variant Classification (06012015). Collection method: clinical testing. Allele origin: germline. Affected: yes.
Comment: This variant is considered likely benign or benign based on one or more of the following criteria: it is a conservative change, it occurs at a poorly conserved position in the protein, it is predicted to be benign by multiple in silico algorithms, and/or has population frequency not consistent with disease.

Breakthrough Genomics
Classification: Benign. Review status: criteria provided, single submitter. Criteria: ACMG Guidelines, 2015. Collection method: not provided. Allele origin: germline. Inheritance: Autosomal recessive inheritance. Affected: yes.